The following is an entry in ClinVar:

ClinVar aggregate classification (germline): Uncertain significance (1 of 4 stars; one submission).

Conditions:
Combined immunodeficiency due to LRBA deficiency. Also called: Common variable immunodeficiency 8, with autoimmunity. Identifiers: Orphanet 445018, MedGen C3553512, MONDO:0013863, OMIM 614700.

Allele frequency attached by ClinVar (database versions not stated): gnomAD exomes below 0.00001 and 0.00001; TOPMed 0.00001.
gnomAD v4.1: 7 of 1,613,994 alleles (0.00043%); highest among the groups gnomAD compares: South Asian, 0.0022%; no homozygotes.

Submission:

Labcorp Genetics (formerly Invitae), Labcorp
Classification: Uncertain significance for Combined immunodeficiency due to LRBA deficiency. Last evaluated: 2025-11-03. Review status: criteria provided, single submitter. Criteria: Invitae Variant Classification Sherloc (09022015). Collection method: clinical testing. Allele origin: germline.
Comment: This sequence change replaces arginine, which is basic and polar, with glutamine, which is neutral and polar, at codon 2789 of the LRBA protein (p.Arg2789Gln). This variant is present in population databases (rs749223887, gnomAD 0.005%). This variant has not been reported in the literature in individuals affected with LRBA-related conditions. ClinVar contains an entry for this variant (Variation ID: 943255). Invitae Evidence Modeling of protein sequence and biophysical properties (such as structural, functional, and spatial information, amino acid conservation, physicochemical variation, residue mobility, and thermodynamic stability) indicates that this missense variant is not expected to disrupt LRBA protein function with a negative predictive value of 80%. In summary, the available evidence is currently insufficient to determine the role of this variant in disease. Therefore, it has been classified as a Variant of Uncertain Significance.

NM_001364905.1(LRBA):c.8333G>A (p.Arg2778Gln)

Gene: LRBA (LPS responsive beige-like anchor protein; minus strand). Cytogenetic location: 4q31.3.
Variant type: single nucleotide variant.
Coding change: c.8333G>A on transcript NM_001364905.1 (MANE Select); coding-DNA position 8333, G replaced by A.
Protein change: p.Arg2778Gln; replaces arginine 2778 with glutamine.
Molecular consequence: missense variant.
Genome position (GRCh38, 1-based): chr4:150,277,988, C>T on the plus strand (G>A on the coding strand, the complement: LRBA is on the minus strand). VCF-style: chr4-150277988-C-T. GRCh37 (hg19) VCF-style: chr4-151199140-C-T.
Other names: c.8330G>A, p.Arg2777Gln (NM_001199282.3); c.8348G>A, p.Arg2783Gln (NM_001367550.1); c.8366G>A, p.Arg2789Gln (NM_006726.5); short protein forms R2789Q, R2777Q, R2778Q, R2783Q.
Identifiers: ClinVar variation 943255 (VCV000943255.9), dbSNP rs749223887, ClinGen allele CA107808743.